The following is an entry in ClinVar:

ClinVar aggregate classification (germline): Uncertain significance (1 of 4 stars; one submission).

Submission:

Dasa
Classification: Uncertain significance. Last evaluated: 2025-08-06. Review status: criteria provided, single submitter. Criteria: DASA Assertion Criteria. Collection method: clinical testing. Allele origin: germline.
Comment: NM_001830.4(CLCN4):c.2008A>T (p.Ser670Cys) is a missense variant that results in the substitution of serine with cysteine. This variant is absent from population databases. Computational prediction algorithms are consistent with a deleterious effect. The currently available literature and clinical evidence are not sufficient to establish a definitive association between this variant and the reported condition. Therefore, this variant is classified as a variant of uncertain significance.

NM_001830.4(CLCN4):c.2008A>T (p.Ser670Cys)

Gene: CLCN4 (Cl-/H+ antiporter 4; plus strand). Cytogenetic location: Xp22.2.
Variant type: single nucleotide variant.
Coding change: c.2008A>T on transcript NM_001830.4 (MANE Select); coding-DNA position 2008, A replaced by T.
Protein change: p.Ser670Cys; replaces serine 670 with cysteine.
Molecular consequence: missense variant.
Genome position (GRCh38, 1-based): chrX:10,220,693, A>T. VCF-style: chrX-10220693-A-T. GRCh37 (hg19) VCF-style: chrX-10188733-A-T.
Other names: c.1726A>T, p.Ser576Cys (NM_001256944.2); short protein forms S576C, S670C.
Identifiers: ClinVar variation 4885486 (VCV004885486.2).